The following is an entry in ClinVar:

NM_000286.3(PEX12):c.680+1G>A

Gene: PEX12 (peroxisomal biogenesis factor 12; minus strand). Cytogenetic location: 17q12.
Variant type: single nucleotide variant.
Coding change: c.680+1G>A on transcript NM_000286.3 (MANE Select); the canonical splice donor site of the intron after coding-DNA position 680, G replaced by A.
Molecular consequence: splice donor variant.
Genome position (GRCh38, 1-based): chr17:35,577,037, C>T on the plus strand (G>A on the coding strand, the complement: PEX12 is on the minus strand). VCF-style: chr17-35577037-C-T. GRCh37 (hg19) VCF-style: chr17-33904056-C-T.
Identifiers: ClinVar variation 558363 (VCV000558363.13), dbSNP rs904972651, ClinGen allele CA290069178.

ClinVar aggregate classification (germline): Pathogenic/Likely pathogenic. Review status: criteria provided, multiple submitters, no conflicts (2 of 4 stars). 5 submissions from 5 submitters: Pathogenic (1); Likely pathogenic (3). 1 of the submissions does not count toward it. Last evaluated 2026-06-25.

Conditions:
Peroxisome biogenesis disorder type 3B. Identifiers: Orphanet 44, Orphanet 772, MedGen C3550693, MONDO:0009959, OMIM 266510.
Peroxisome biogenesis disorder 3A (Zellweger). Also called: PEROXISOMAL BIOGENESIS DISORDER 3A (ZELLWEGER); Peroxisome biogenesis disorder 3A. Identifiers: Orphanet 912, MedGen C3553929, MONDO:0013927, OMIM 614859.
PEX12-related disorder. Also called: PEX12-related condition; PEX12-related disorders.

Allele frequency attached by ClinVar (database versions not stated): gnomAD exomes below 0.00001 and 0.00001; gnomAD 0.00001; TOPMed 0.00001.
gnomAD v4.1: 4 of 1,613,628 alleles (0.00025%); highest among the groups gnomAD compares: African/African-American, 0.0053%; no homozygotes.

Submissions (5):

PreventionGenetics, part of Exact Sciences
Classification: Likely pathogenic for PEX12-related condition. Last evaluated: 2026-06-25. Review status: criteria provided, single submitter. Criteria: ACMG Guidelines, 2015. Collection method: clinical testing. Allele origin: germline.
Comment: The PEX12 c.680+1G>A variant is predicted to disrupt the GT donor site and interfere with normal splicing. This variant was reported in an individual with peroxisome biogenesis disorder, though a second variant was not reported, and this variant results in skipping of exon 3 (referred to as IVS3+1G>A, Fukuda et al. 1996. PubMed ID: 8940266). This variant is reported in 0.012% of alleles in individuals of African descent in gnomAD. Variants that disrupt the consensus splice donor site in PEX12 are expected to be pathogenic. This variant is interpreted as likely pathogenic.

Labcorp Genetics (formerly Invitae), Labcorp
Classification: Pathogenic for Peroxisome biogenesis disorder 3A (Zellweger). Last evaluated: 2025-08-18. Review status: criteria provided, single submitter. Criteria: Invitae Variant Classification Sherloc (09022015). Collection method: clinical testing. Allele origin: germline.
Comment: This sequence change affects a donor splice site in intron 2 of the PEX12 gene. While this variant is not anticipated to result in nonsense mediated decay, it likely alters RNA splicing and results in a disrupted protein product. This variant is present in population databases (no rsID available, gnomAD 0.007%). This variant has not been reported in the literature in individuals affected with PEX12-related conditions. ClinVar contains an entry for this variant (Variation ID: 558363). Variants that disrupt the consensus splice site are a relatively common cause of aberrant splicing (PMID: 17576681, 9536098). Algorithms developed to predict the effect of sequence changes on RNA splicing suggest that this variant may disrupt the consensus splice site. This variant disrupts a region of the PEX12 protein in which other variant(s) (p.Gln349del) have been determined to be pathogenic (PMID: 15542397, 21031596, 33123925; internal data). This suggests that this is a clinically significant region of the protein, and that variants that disrupt it are likely to be disease-causing. For these reasons, this variant has been classified as Pathogenic.

Fulgent Genetics
Classification: Likely pathogenic for Peroxisome biogenesis disorder type 3B; Peroxisome biogenesis disorder 3A (Zellweger). Last evaluated: 2024-06-14. Review status: criteria provided, single submitter. Criteria: ACMG Guidelines, 2015. Collection method: clinical testing. Allele origin: germline.

Baylor Genetics
Classification: Likely pathogenic for Peroxisome biogenesis disorder 3A (Zellweger). Last evaluated: 2023-09-21. Review status: criteria provided, single submitter. Criteria: ACMG Guidelines, 2015. Collection method: clinical testing. Allele origin: unknown.

Counsyl
Classification: Likely pathogenic for Peroxisome biogenesis disorder type 3B; Peroxisome biogenesis disorder 3A (Zellweger). Last evaluated: 2018-05-16. Review status: no assertion criteria provided. Collection method: clinical testing. Allele origin: unknown. Not counted in ClinVar's aggregate classification.

Literature cited by the submitters: PubMed 17576681 (cited by Labcorp Genetics (formerly Invitae), Labcorp); PubMed 9536098 (cited by Labcorp Genetics (formerly Invitae), Labcorp); PubMed 15542397 (cited by Labcorp Genetics (formerly Invitae), Labcorp); PubMed 21031596 (cited by Labcorp Genetics (formerly Invitae), Labcorp); PubMed 33123925 (cited by Labcorp Genetics (formerly Invitae), Labcorp).